The following is an entry in ClinVar:

ClinVar aggregate classification (germline): Benign. Review status: criteria provided, multiple submitters, no conflicts (2 of 4 stars). 5 submissions from 5 submitters: Benign (4). 1 of the submissions does not count toward it. Last evaluated 2026-01-12.

Conditions:
KRT2-related disorder. Also called: KRT2-related condition.
Ichthyosis bullosa of Siemens (IBS). Also called: Superficial epidermolytic ichthyosis. Identifiers: Orphanet 455, MedGen C0432306, MONDO:0007813, OMIM 146800.

Allele frequency attached by ClinVar (database versions not stated): gnomAD exomes 0.00593; ExAC 0.00743; 1000 Genomes Project 0.02097; 1000 Genomes Project 30x 0.02108; gnomAD 0.02169 and 0.02388; TOPMed 0.02551; ESP Exome Variant Server 0.02653.
gnomAD v4.1: 7,251 of 1,613,806 alleles (0.45%); highest among the groups gnomAD compares: African/African-American, 7.7%; 256 homozygotes.

Submissions (5):

Labcorp Genetics (formerly Invitae), Labcorp
Classification: Benign. Last evaluated: 2026-01-12. Review status: criteria provided, single submitter. Criteria: Invitae Variant Classification Sherloc (09022015). Collection method: clinical testing. Allele origin: germline.

GeneDx
Classification: Benign. Last evaluated: 2021-05-04. Review status: criteria provided, single submitter. Criteria: GeneDx Variant Classification Process June 2021. Collection method: clinical testing. Allele origin: germline. Affected: yes.

Illumina Laboratory Services, Illumina
Classification: Benign for Ichthyosis bullosa of Siemens. Last evaluated: 2018-01-13. Review status: criteria provided, single submitter. Criteria: ICSL Variant Classification Criteria 13 December 2019. Collection method: clinical testing. Allele origin: germline.
Comment: This variant was observed in the ICSL laboratory as part of a predisposition screen in an ostensibly healthy population. It had not been previously curated by ICSL or reported in the Human Gene Mutation Database (HGMD: prior to June 1st, 2018), and was therefore a candidate for classification through an automated scoring system. Utilizing variant allele frequency, disease prevalence and penetrance estimates, and inheritance mode, an automated score was calculated to assess if this variant is too frequent to cause the disease. Based on the score and internal cut-off values, a variant classified as benign is not then subjected to further curation. The score for this variant resulted in a classification of benign for this disease.

Breakthrough Genomics
Classification: Benign. Review status: criteria provided, single submitter. Criteria: ACMG Guidelines, 2015. Collection method: not provided. Allele origin: germline. Inheritance: Autosomal dominant inheritance. Affected: yes.

PreventionGenetics, part of Exact Sciences
Classification: Benign for KRT2-related condition. Last evaluated: 2019-03-04. Review status: no assertion criteria provided. Collection method: clinical testing. Allele origin: germline. Not counted in ClinVar's aggregate classification.
Comment: This variant is classified as benign based on ACMG/AMP sequence variant interpretation guidelines (Richards et al. 2015 PMID: 25741868, with internal and published modifications).

NM_000423.3(KRT2):c.1650C>T (p.Gly550=)

Gene: KRT2 (keratin 2; minus strand). Cytogenetic location: 12q13.13.
Variant type: single nucleotide variant.
Coding change: c.1650C>T on transcript NM_000423.3 (MANE Select); coding-DNA position 1650, C replaced by T.
Protein change: p.Gly550=; no amino-acid change (glycine 550 retained).
Molecular consequence: synonymous variant.
Genome position (GRCh38, 1-based): chr12:52,645,289, G>A on the plus strand (C>T on the coding strand, the complement: KRT2 is on the minus strand). VCF-style: chr12-52645289-G-A. GRCh37 (hg19) VCF-style: chr12-53039073-G-A.
Identifiers: ClinVar variation 309598 (VCV000309598.18), dbSNP rs2232562, ClinGen allele CA6585396.